The following is an entry in ClinVar:

NM_033118.4(MYLK2):c.260C>T (p.Ala87Val)

Gene: MYLK2 (myosin light chain kinase 2; plus strand). Cytogenetic location: 20q11.21.
Variant type: single nucleotide variant.
Coding change: c.260C>T on transcript NM_033118.4 (MANE Select); coding-DNA position 260, C replaced by T.
Protein change: p.Ala87Val; replaces alanine 87 with valine.
Molecular consequence: missense variant.
Genome position (GRCh38, 1-based): chr20:31,820,333, C>T. VCF-style: chr20-31820333-C-T. GRCh37 (hg19) VCF-style: chr20-30408136-C-T.
Other names: short protein forms A87V.
Identifiers: ClinVar variation 4243 (VCV000004243.15), dbSNP rs121908107, ClinGen allele CA116734.

ClinVar aggregate classification (germline): Conflicting classifications of pathogenicity. Review status: criteria provided, conflicting classifications (1 of 4 stars). 5 submissions from 5 submitters: Uncertain significance (2); Likely benign (2). 1 of the submissions does not count toward it. Last evaluated 2026-01-06.

Conditions:
Hypertrophic cardiomyopathy 1 (CMH1). Also called: MYH7-Related Familial Hypertrophic Cardiomyopathy; Familial hypertrophic cardiomyopathy 1. Identifiers: MedGen C3495498, MONDO:0008647, OMIM 192600.
Cardiomyopathy, hypertrophic, midventricular, digenic. Identifiers: MedGen C4016270.

Allele frequency attached by ClinVar (database versions not stated): ExAC 0.00014; gnomAD 0.00014 and 0.00017; gnomAD exomes 0.00016 and 0.00015; TOPMed 0.00022; 1000 Genomes Project 0.00060; 1000 Genomes Project 30x 0.00047.

Submissions (5):

Labcorp Genetics (formerly Invitae), Labcorp
Classification: Uncertain significance for Hypertrophic cardiomyopathy 1. Last evaluated: 2026-01-06. Review status: criteria provided, single submitter. Criteria: Invitae Variant Classification Sherloc (09022015). Collection method: clinical testing. Allele origin: germline.
Comment: This sequence change replaces alanine, which is neutral and non-polar, with valine, which is neutral and non-polar, at codon 87 of the MYLK2 protein (p.Ala87Val). This variant is present in population databases (rs121908107, gnomAD 0.05%). This missense change has been observed in individual(s) with hypertrophic cardiomyopathy (PMID: 11733062). ClinVar contains an entry for this variant (Variation ID: 4243). Invitae Evidence Modeling of protein sequence and biophysical properties (such as structural, functional, and spatial information, amino acid conservation, physicochemical variation, residue mobility, and thermodynamic stability) indicates that this missense variant is not expected to disrupt MYLK2 protein function with a negative predictive value of 80%. In summary, the available evidence is currently insufficient to determine the role of this variant in disease. Therefore, it has been classified as a Variant of Uncertain Significance.

Women's Health and Genetics/Laboratory Corporation of America, LabCorp
Classification: Likely benign. Last evaluated: 2025-02-18. Review status: criteria provided, single submitter. Criteria: LabCorp Variant Classification Summary - May 2015. Collection method: clinical testing. Allele origin: germline.
Comment: Variant summary: MYLK2 c.260C>T (p.Ala87Val) results in a non-conservative amino acid change in the encoded protein sequence. Three of five in-silico tools predict a benign effect of the variant on protein function. The variant allele was found at a frequency of 0.00016 in 246866 control chromosomes, predominantly at a frequency of 0.00044 within the Latino subpopulation in the gnomAD database. The observed variant frequency within Latino control individuals in the gnomAD database is approximately 17 fold of the estimated maximal expected allele frequency for a pathogenic variant in MYLK2 causing Hypertrophic Cardiomyopathy phenotype (2.5e-05).c.260C>T has been reported in the literature in two individuals from the same family, who were affected with Hypertrophic Cardiomyopathy (Davies_2001), and in a later study in an individual with sudden unexplained death (Martinez-Matilla_2019). However, these reports do not provide unequivocal conclusions about association of the variant with Hypertrophic Cardiomyopathy. One of these publications reported experimental evidence evaluating an impact on protein function, and demonstrated increased V(max), however the variant protein tested in this study also carried another missense variant(s) in cis, therefore no conclusion can be made for the variant effect in isolation (Davies_2001). The following publications have been ascertained in the context of this evaluation (PMID: 11733062, 34426522, 31376648). ClinVar contains an entry for this variant (Variation ID: 4243). Based on the evidence outlined above, the variant was classified as likely benign.

Breda Genetics srl
Classification: Uncertain significance for Hypertrophic cardiomyopathy 1. Last evaluated: 2020-10-30. Review status: criteria provided, single submitter. Criteria: ACMG Guidelines, 2015. Collection method: clinical testing. Allele origin: inherited. Inheritance: Autosomal dominant inheritance. Affected: yes. Observed: 1 variant allele, 1 heterozygote.
Comment: Based on allele frequency, in-silico prediction scores and a certain overlap with the clinical phenotype, we interpreted this variant at least as of uncertain significance. The lack of one or more of the following features has discouraged further investigations: lack of a possible second hit in autosomal recessive conditions, presence of healthy controls in databases for autosomal dominant conditions, presence of unmatching cardinal clinical features in the patient or in the known gene-disease association, lack of segregation in the family, and/or variant type outside the known gene mutational spectrum.

GeneDx
Classification: Likely benign. Last evaluated: 2020-09-18. Review status: criteria provided, single submitter. Criteria: GeneDx Variant Classification Process June 2021. Collection method: clinical testing. Allele origin: germline. Affected: yes.
Comment: This variant is associated with the following publications: (PMID: 28082330, 30609406, 28518168, 26187847, 22995991, 11733062, 23299917)

OMIM
Classification: Pathogenic for CARDIOMYOPATHY, HYPERTROPHIC, MIDVENTRICULAR, DIGENIC. Last evaluated: 2001-11-30. Review status: no assertion criteria provided. Collection method: literature only. Allele origin: germline. Not counted in ClinVar's aggregate classification.

Literature cited by the submitters: PubMed 11733062 (cited by 3 submitters); PubMed 31376648 (cited by Women's Health and Genetics/Laboratory Corporation of America, LabCorp); PubMed 34426522 (cited by Women's Health and Genetics/Laboratory Corporation of America, LabCorp).